The following is an entry in ClinVar:

ClinVar aggregate classification (germline): Likely benign. Review status: criteria provided, multiple submitters, no conflicts (2 of 4 stars). 2 submissions from 2 submitters: Likely benign (2). Last evaluated 2026-05-07.

Conditions:
MCM3AP-related disorder. Also called: MCM3AP-related condition.

Allele frequency attached by ClinVar (database versions not stated): ExAC 0.00001; gnomAD 0.00001; TOPMed 0.00002; gnomAD exomes 0.00003; ESP Exome Variant Server 0.00008.
gnomAD v4.1: 40 of 1,614,088 alleles (0.0025%); highest among the groups gnomAD compares: Non-Finnish European, 0.0032%; no homozygotes.

Submissions (2):

PreventionGenetics, part of Exact Sciences
Classification: Likely benign for MCM3AP-related condition. Last evaluated: 2026-05-07. Review status: criteria provided, single submitter. Criteria: ACMG Guidelines, 2015. Collection method: clinical testing. Allele origin: germline.
Comment: This variant is classified as likely benign based on ACMG/AMP sequence variant interpretation guidelines (Richards et al. 2015 PMID: 25741868, with internal and published modifications).

Labcorp Genetics (formerly Invitae), Labcorp
Classification: Likely benign. Last evaluated: 2022-12-02. Review status: criteria provided, single submitter. Criteria: Invitae Variant Classification Sherloc (09022015). Collection method: clinical testing. Allele origin: germline.

NM_003906.5(MCM3AP):c.654A>G (p.Ser218=)

Gene: MCM3AP (minichromosome maintenance complex component 3 associated protein; minus strand). Cytogenetic location: 21q22.3.
Variant type: single nucleotide variant.
Coding change: c.654A>G on transcript NM_003906.5 (MANE Select); coding-DNA position 654, A replaced by G.
Protein change: p.Ser218=; no amino-acid change (serine 218 retained).
Molecular consequence: synonymous variant.
Genome position (GRCh38, 1-based): chr21:46,284,633, T>C on the plus strand (A>G on the coding strand, the complement: MCM3AP is on the minus strand). VCF-style: chr21-46284633-T-C. GRCh37 (hg19) VCF-style: chr21-47704547-T-C.
Other names: c.654A>G (NM_003906.4).
Identifiers: ClinVar variation 1897829 (VCV001897829.6), dbSNP rs371680138, ClinGen allele CA10077305.
Genomic context (GRCh38, chr21:46,284,633, plus strand): 5'-AGGTCCTCTCTTCTCTTCCTCTACATTTTGGTTTGACAAAGCAGGGGTAAAGGCAGATAA[T>C]GAATTATTACTACTAACAGGTTTTGAAAAGGTAAAATTTGAAGTGGTAGCTGAACTACTT-3'
Protein context (NP_003897.2, residues 208-228): TFSKPVSSNN[Ser218=]LSAFTPALSN